The following is an entry in ClinVar:

NM_002900.3(RBP3):c.467G>T (p.Trp156Leu)

Gene: RBP3 (retinol binding protein 3; plus strand). Cytogenetic location: 10q11.22.
Variant type: single nucleotide variant.
Coding change: c.467G>T on transcript NM_002900.3 (MANE Select); coding-DNA position 467, G replaced by T.
Protein change: p.Trp156Leu; replaces tryptophan 156 with leucine.
Molecular consequence: missense variant.
Genome position (GRCh38, 1-based): chr10:47,348,951, G>T. VCF-style: chr10-47348951-G-T. GRCh37 (hg19) VCF-style: chr10-48390411-C-A.
Other names: c.467G>T (NM_002900.2); short protein forms W156L.
Identifiers: ClinVar variation 2086777 (VCV002086777.5), dbSNP rs1555210929, ClinGen allele CA376665117.

ClinVar aggregate classification (germline): Uncertain significance. Review status: criteria provided, multiple submitters, no conflicts (2 of 4 stars). 3 submissions from 3 submitters: Uncertain significance (3). Last evaluated 2025-04-16.

Conditions:
Inborn genetic diseases. Identifiers: MedGen C0950123, MeSH D030342.

Submissions (3):

Labcorp Genetics (formerly Invitae), Labcorp
Classification: Uncertain significance. Last evaluated: 2025-04-16. Review status: criteria provided, single submitter. Criteria: Invitae Variant Classification Sherloc (09022015). Collection method: clinical testing. Allele origin: germline.
Comment: This sequence change replaces tryptophan, which is neutral and slightly polar, with leucine, which is neutral and non-polar, at codon 156 of the RBP3 protein (p.Trp156Leu). This variant is present in population databases (no rsID available, gnomAD 0.003%). This variant has not been reported in the literature in individuals affected with RBP3-related conditions. ClinVar contains an entry for this variant (Variation ID: 2086777). An algorithm developed to predict the effect of missense changes on protein structure and function (PolyPhen-2) suggests that this variant is likely to be disruptive. In summary, the available evidence is currently insufficient to determine the role of this variant in disease. Therefore, it has been classified as a Variant of Uncertain Significance.

Ambry Genetics
Classification: Uncertain significance for Inborn genetic diseases. Last evaluated: 2023-03-01. Review status: criteria provided, single submitter. Criteria: Ambry Variant Classification Scheme 2023. Collection method: clinical testing. Allele origin: germline.

Blueprint Genetics
Classification: Uncertain significance. Last evaluated: 2022-10-24. Review status: criteria provided, single submitter. Criteria: ACMG Guidelines, 2015. Collection method: clinical testing. Allele origin: germline.